The following is an entry in ClinVar:

NM_001080517.3(SETD5):c.607A>G (p.Thr203Ala)

Gene: SETD5 (SET domain containing 5; plus strand). Cytogenetic location: 3p25.3.
Variant type: single nucleotide variant.
Coding change: c.607A>G on transcript NM_001080517.3 (MANE Select); coding-DNA position 607, A replaced by G.
Protein change: p.Thr203Ala; replaces threonine 203 with alanine.
Molecular consequence: missense variant.
Genome position (GRCh38, 1-based): chr3:9,440,495, A>G. VCF-style: chr3-9440495-A-G. GRCh37 (hg19) VCF-style: chr3-9482179-A-G.
Other names: c.313A>G, p.Thr105Ala (NM_001292043.2, NM_001349451.2); short protein forms T105A, T203A.
Identifiers: ClinVar variation 3026698 (VCV003026698.22), dbSNP rs2041145050, ClinGen allele CA351687070.

ClinVar aggregate classification (germline): Uncertain significance (1 of 4 stars; one submission).

Allele frequency attached by ClinVar (database versions not stated): gnomAD exomes below 0.00001; TOPMed below 0.00001.

Submission:

CeGaT Center for Human Genetics Tuebingen
Classification: Uncertain significance. Last evaluated: 2023-12-01. Review status: criteria provided, single submitter. Criteria: CeGaT Center For Human Genetics Tuebingen Variant Classification Criteria Version 2. Collection method: clinical testing. Allele origin: germline. Affected: yes. Observed: 1 variant allele.
Comment: SETD5: PM2